The following is an entry in ClinVar:

ClinVar aggregate classification (germline): Likely benign (1 of 4 stars; one submission).

Submission:

CeGaT Center for Human Genetics Tuebingen
Classification: Likely benign. Last evaluated: 2026-05-01. Review status: criteria provided, single submitter. Criteria: CeGaT Center For Human Genetics Tuebingen Variant Classification Criteria Version 2. Collection method: clinical testing. Allele origin: germline. Affected: yes. Observed: 39 variant alleles.
Comment: KCNQ1OT1: BS1

NM_000218.3(KCNQ1):c.1514+37638_1514+37663del

Genes: KCNQ1 (potassium voltage-gated channel subfamily Q member 1; plus strand), KCNQ1OT1 (KCNQ1 opposite strand/antisense transcript 1; minus strand). Cytogenetic location: 11p15.5.
Variant type: Deletion.
Coding change: c.1514+37638_1514+37663del on transcript NM_000218.3 (MANE Select); bases 37638 to 37663 of the intron after coding-DNA position 1514, 26 bases deleted (TCCCCGGGGAGAACTGCGCCGAGGAG).
Molecular consequence: intron variant.
Genome position (GRCh38, 1-based): chr11:2,699,719-2,699,744, TCCCCGGGGAGAACTGCGCCGAGGAG deleted; deleting any 26 consecutive bases within chr11:2,699,708-2,699,744 gives the same sequence; the c. name uses the placement nearest the transcript's 3' end. VCF-style (leftmost placement, unchanged base first): chr11-2699707-GGCGCCGAGGAGTCCCCGGGGAGAACT-G. GRCh37 (hg19) VCF-style: chr11-2720937-GGCGCCGAGGAGTCCCCGGGGAGAACT-G.
Other names: c.1244+37638_1244+37663del (NM_001406837.1); c.1418+37638_1418+37663del (NM_001406836.1); c.974+37638_974+37663del (NM_001406838.1); c.1133+37638_1133+37663del (NM_181798.2).
Identifiers: ClinVar variation 1694628 (VCV001694628.31), dbSNP rs1409790286, ClinGen allele CA472788222.